The following is an entry in ClinVar:

ClinVar aggregate classification (germline): Uncertain significance (1 of 4 stars; one submission).

Conditions:
Tuberous sclerosis 2 (TSC2). Identifiers: Orphanet 805, MedGen C1860707, MONDO:0013199, OMIM 613254.

Submission:

Labcorp Genetics (formerly Invitae), Labcorp
Classification: Uncertain significance for Tuberous sclerosis 2. Last evaluated: 2025-01-06. Review status: criteria provided, single submitter. Criteria: Invitae Variant Classification Sherloc (09022015). Collection method: clinical testing. Allele origin: germline.
Comment: This sequence change falls in intron 19 of the TSC2 gene. It does not directly change the encoded amino acid sequence of the TSC2 protein. Information on the frequency of this variant in the gnomAD database is not available, as this variant may be reported differently in the database. This variant has not been reported in the literature in individuals affected with TSC2-related conditions. In summary, the available evidence is currently insufficient to determine the role of this variant in disease. Therefore, it has been classified as a Variant of Uncertain Significance.

NM_000548.5(TSC2):c.2097+17_2097+18delinsTT

Gene: TSC2 (TSC complex subunit 2; plus strand). Cytogenetic location: 16p13.3.
Variant type: Indel.
Coding change: c.2097+17_2097+18delinsTT on transcript NM_000548.5 (MANE Select); bases 17 to 18 of the intron after coding-DNA position 2097, AG replaced by TT.
Molecular consequence: intron variant.
Genome position (GRCh38, 1-based): chr16:2,071,951-2,071,952, AG replaced by TT. VCF-style: chr16-2071951-AG-TT. GRCh37 (hg19) VCF-style: chr16-2121952-AG-TT.
Other names: c.753+17_753+18delinsTT (NM_001406693.1, NM_001406689.1, NM_001406690.1 and 6 more transcripts); c.2187+17_2187+18delinsTT (NM_001406667.1, NM_001406668.1); c.1497+17_1497+18delinsTT (NM_001406680.1, NM_001406683.1, NM_001406687.1 and 6 more transcripts); c.495+17_495+18delinsTT (NM_001406698.1); c.2097+17_2097+18delinsTT (NM_001114382.3, NM_001406663.1, NM_001406664.1 and 6 more transcripts); c.2085+17_2085+18delinsTT (NM_001406671.1, NM_001406673.1); c.1635+17_1635+18delinsTT (NM_001406681.1); c.1986+17_1986+18delinsTT (NM_001406670.1, NM_001318827.2, NM_001406678.1); and 3 more.
Identifiers: ClinVar variation 3728523 (VCV003728523.2).